The following is an entry in ClinVar:

ClinVar aggregate classification (germline): Uncertain significance (1 of 4 stars; one submission).

Conditions:
Microcephaly, normal intelligence and immunodeficiency (NBS). Also called: SEEMANOVA SYNDROME II; IMMUNODEFICIENCY, MICROCEPHALY, AND CHROMOSOMAL INSTABILITY; Ataxia telangiectasia variant V1; BERLIN BREAKAGE SYNDROME; Nijmegen breakage syndrome; Microcephaly with normal intelligence immunodeficiency and lymphoreticular malignancies. Identifiers: Orphanet 647, MedGen C0398791, MONDO:0009623, OMIM 251260.

Submission:

Labcorp Genetics (formerly Invitae), Labcorp
Classification: Uncertain significance for Microcephaly, normal intelligence and immunodeficiency. Last evaluated: 2021-10-02. Review status: criteria provided, single submitter. Criteria: Invitae Variant Classification Sherloc (09022015). Collection method: clinical testing. Allele origin: germline.
Comment: In summary, the available evidence is currently insufficient to determine the role of this variant in disease. Therefore, it has been classified as a Variant of Uncertain Significance. Algorithms developed to predict the effect of missense changes on protein structure and function (SIFT, PolyPhen-2, Align-GVGD) all suggest that this variant is likely to be tolerated. This variant has not been reported in the literature in individuals affected with NBN-related conditions. This variant is not present in population databases (ExAC no frequency). This sequence change replaces threonine with alanine at codon 485 of the NBN protein (p.Thr485Ala). The threonine residue is weakly conserved and there is a small physicochemical difference between threonine and alanine.

NM_002485.5(NBN):c.1453A>G (p.Thr485Ala)

Gene: NBN (nibrin; minus strand). Cytogenetic location: 8q21.3.
Variant type: single nucleotide variant.
Coding change: c.1453A>G on transcript NM_002485.5 (MANE Select); coding-DNA position 1453, A replaced by G.
Protein change: p.Thr485Ala; replaces threonine 485 with alanine.
Molecular consequence: missense variant.
Genome position (GRCh38, 1-based): chr8:89,953,636, T>C on the plus strand (A>G on the coding strand, the complement: NBN is on the minus strand). VCF-style: chr8-89953636-T-C. GRCh37 (hg19) VCF-style: chr8-90965864-T-C.
Other names: c.1207A>G, p.Thr403Ala (NM_001024688.3); short protein forms T403A, T485A.
Identifiers: ClinVar variation 1010748 (VCV001010748.6), dbSNP rs1586054649, ClinGen allele CA371655817.